The following is an entry in ClinVar:

ClinVar aggregate classification (germline): Likely pathogenic (1 of 4 stars; one submission).

Conditions:
Autosomal recessive nonsyndromic hearing loss 2. Also called: NEUROSENSORY NONSYNDROMIC RECESSIVE DEAFNESS 2; DEAFNESS, AUTOSOMAL RECESSIVE 2. Identifiers: Orphanet 90636, MedGen C1838701, MONDO:0010807, OMIM 600060.

Submission:

Institute of Rare Diseases, West China Hospital, Sichuan University
Classification: Likely pathogenic for Autosomal recessive nonsyndromic hearing loss 2. Last evaluated: 2025-01-09. Review status: criteria provided, single submitter. Criteria: ClinGen HL ACMG Specifications v1. Collection method: research. Allele origin: germline. Affected: yes.
Comment: PVS1;PM2_Supporting

NM_000260.4(MYO7A):c.5515_5516del (p.Leu1839fs)

Gene: MYO7A (myosin VIIA; plus strand). Cytogenetic location: 11q13.5.
Variant type: Deletion.
Coding change: c.5515_5516del on transcript NM_000260.4 (MANE Select); coding-DNA positions 5515 to 5516, 2 bases deleted (CT; older notation c.5515_5516delCT).
Protein change: p.Leu1839fs; shifts the reading frame from leucine 1839.
Molecular consequence: frameshift variant.
Genome position (GRCh38, 1-based): chr11:77,205,496-77,205,497, CT deleted. VCF-style (leftmost placement, unchanged base first): chr11-77205495-GCT-G. GRCh37 (hg19) VCF-style: chr11-76916540-GCT-G.
Other names: c.5401_5402del, p.Leu1801fs (NM_001127180.2); c.5368_5369del, p.Leu1790fs (NM_001369365.1); short protein forms L1790fs, L1801fs, L1839fs.
Identifiers: ClinVar variation 3601488 (VCV003601488.1).